The following is an entry in ClinVar:

NM_017636.4(TRPM4):c.1495C>T (p.Arg499Trp)

Gene: TRPM4 (transient receptor potential cation channel subfamily M member 4; plus strand). Cytogenetic location: 19q13.33.
Variant type: single nucleotide variant.
Coding change: c.1495C>T on transcript NM_017636.4 (MANE Select); coding-DNA position 1495, C replaced by T.
Protein change: p.Arg499Trp; replaces arginine 499 with tryptophan.
Molecular consequence: missense variant. On other transcripts: 5 prime UTR variant (1).
Genome position (GRCh38, 1-based): chr19:49,182,809, C>T. VCF-style: chr19-49182809-C-T. GRCh37 (hg19) VCF-style: chr19-49686066-C-T.
Other names: c.1495C>T, p.Arg499Trp (NM_001195227.2); c.1150C>T, p.Arg384Trp (NM_001321281.2); c.-59C>T (NM_001321282.2); c.973C>T, p.Arg325Trp (NM_001321283.2); c.433C>T, p.Arg145Trp (NM_001321285.2); short protein forms R384W, R145W, R325W, R499W.
Identifiers: ClinVar variation 894639 (VCV000894639.17), dbSNP rs371377895, ClinGen allele CA9569211.

ClinVar aggregate classification (germline): Uncertain significance. Review status: criteria provided, multiple submitters, no conflicts (2 of 4 stars). 5 submissions from 5 submitters: Uncertain significance (5). Last evaluated 2026-10-08.

Conditions:
Cardiovascular phenotype. Identifiers: MedGen CN230736.
Progressive familial heart block type IB (PFHB1B). Identifiers: Orphanet 871, MedGen C1970298, MONDO:0011474, OMIM 604559.
Erythrokeratodermia variabilis et progressiva 6. Identifiers: MedGen C5193144, MONDO:0032801, OMIM 618531.

Allele frequency attached by ClinVar (database versions not stated): gnomAD exomes 0.00007 and 0.00005; TOPMed 0.00005; gnomAD 0.00005; ExAC 0.00011; ESP Exome Variant Server 0.00015.
gnomAD v4.1: 81 of 1,612,908 alleles (0.005%); highest among the groups gnomAD compares: Non-Finnish European, 0.0063%; no homozygotes.

Submissions (5):

GeneDx
Classification: Uncertain significance. Last evaluated: 2026-10-08. Review status: criteria provided, single submitter. Criteria: GeneDx Variant Classification Process June 2021. Collection method: clinical testing. Allele origin: germline.
Comment: Identified in a patient with long QT syndrome in published literature (PMID: 28315637); Published functional studies demonstrate a damaging effect (significantly reduced channel current) (PMID: 28315637); In silico analysis supports that this missense variant has a deleterious effect on protein structure/function; This variant is associated with the following publications: (PMID: 28315637)

Ambry Genetics
Classification: Uncertain significance for Cardiovascular phenotype. Last evaluated: 2026-04-16. Review status: criteria provided, single submitter. Criteria: Ambry Variant Classification Scheme 2023. Collection method: clinical testing. Allele origin: germline.
Comment: The c.1495C>T (p.R499W) alteration is located in exon 11 (coding exon 11) of the TRPM4 gene. This alteration results from a C to T substitution at nucleotide position 1495, causing the arginine (R) at amino acid position 499 to be replaced by a tryptophan (W). Based on data from gnomAD, the T allele has an overall frequency of 0.007% (19/276542) total alleles studied. The highest observed frequency was 0.015% (18/124420) of European (non-Finnish) alleles. Based on insufficient or conflicting evidence, the clinical significance of this alteration remains unclear.

Labcorp Genetics (formerly Invitae), Labcorp
Classification: Uncertain significance for Progressive familial heart block type IB. Last evaluated: 2025-04-01. Review status: criteria provided, single submitter. Criteria: Invitae Variant Classification Sherloc (09022015). Collection method: clinical testing. Allele origin: germline.
Comment: This sequence change replaces arginine, which is basic and polar, with tryptophan, which is neutral and slightly polar, at codon 499 of the TRPM4 protein (p.Arg499Trp). This variant is present in population databases (rs371377895, gnomAD 0.01%). This missense change has been observed in individual(s) with long QT syndrome (PMID: 28315637). ClinVar contains an entry for this variant (Variation ID: 894639). An algorithm developed to predict the effect of missense changes on protein structure and function (PolyPhen-2) suggests that this variant is likely to be disruptive. In summary, the available evidence is currently insufficient to determine the role of this variant in disease. Therefore, it has been classified as a Variant of Uncertain Significance.

Fulgent Genetics
Classification: Uncertain significance for Progressive familial heart block type IB; Erythrokeratodermia variabilis et progressiva 6. Last evaluated: 2021-09-23. Review status: criteria provided, single submitter. Criteria: ACMG Guidelines, 2015. Collection method: clinical testing. Allele origin: unknown.

Illumina Laboratory Services, Illumina
Classification: Uncertain significance for Progressive familial heart block type IB. Last evaluated: 2018-01-13. Review status: criteria provided, single submitter. Criteria: ICSL Variant Classification Criteria 13 December 2019. Collection method: clinical testing. Allele origin: germline.

Literature cited by the submitters: PubMed 28315637 (cited by Labcorp Genetics (formerly Invitae), Labcorp).